The following is an entry in ClinVar:

ClinVar aggregate classification (germline): Uncertain significance. Review status: criteria provided, multiple submitters, no conflicts (2 of 4 stars). 2 submissions from 2 submitters: Uncertain significance (2). Last evaluated 2023-11-11.

Conditions:
Intellectual developmental disorder, autosomal dominant 52. Also called: Intellectual disability, autosomal dominant 52; Mental retardation, autosomal dominant 52. Identifiers: MedGen C4540478, MONDO:0030918, OMIM 617796.

Allele frequency attached by ClinVar (database versions not stated): gnomAD exomes below 0.00001.
gnomAD v4.1: 3 of 1,614,102 alleles (0.00019%); highest among the groups gnomAD compares: Non-Finnish European, 0.00025%; no homozygotes.

Submissions (2):

GeneDx
Classification: Uncertain significance. Last evaluated: 2023-11-11. Review status: criteria provided, single submitter. Criteria: GeneDx Variant Classification Process June 2021. Collection method: clinical testing. Allele origin: germline. Affected: yes.
Comment: Not observed at significant frequency in large population cohorts (gnomAD); In silico analysis supports that this missense variant does not alter protein structure/function; Has not been previously published as pathogenic or benign to our knowledge

Institute of Human Genetics, Clinical Exome/Genome Diagnostics Group, University Hospital Bonn
Classification: Uncertain significance for Intellectual developmental disorder, autosomal dominant 52. Review status: criteria provided, single submitter. Criteria: ACMG Guidelines, 2015. Collection method: clinical testing. Allele origin: germline. Affected: yes.

NM_018489.3(ASH1L):c.1649T>C (p.Val550Ala)

Gene: ASH1L (ASH1 like histone lysine methyltransferase; minus strand). Cytogenetic location: 1q22.
Variant type: single nucleotide variant.
Coding change: c.1649T>C on transcript NM_018489.3 (MANE Select); coding-DNA position 1649, T replaced by C.
Protein change: p.Val550Ala; replaces valine 550 with alanine.
Molecular consequence: missense variant.
Genome position (GRCh38, 1-based): chr1:155,481,221, A>G on the plus strand (T>C on the coding strand, the complement: ASH1L is on the minus strand). VCF-style: chr1-155481221-A-G. GRCh37 (hg19) VCF-style: chr1-155451012-A-G.
Other names: c.1649T>C (NM_018489.2); c.1649T>C, p.Val550Ala (NM_001366177.2); short protein forms V550A.
Identifiers: ClinVar variation 1895386 (VCV001895386.2), dbSNP rs2527193507, ClinGen allele CA342732139.
Genomic context (GRCh38, chr1:155,481,221, plus strand): 5'-CTTCTGGTTAAAGGATTAACAGATACAGTAGGTGATGGGGAAGGGAGATTGCTTTCTCCT[A>G]CTGCACTGAATGGGGATTTAGCGGTAGATACATCAGAAGCACCTCCCATTTTAAAGTCCG-3'
Protein context (NP_060959.2, residues 540-560): VSTAKSPFSA[Val550Ala]GESNLPSPSP